The following is an entry in ClinVar:

NM_000875.5(IGF1R):c.641-2A>G

Gene: IGF1R (insulin like growth factor 1 receptor; plus strand). Cytogenetic location: 15q26.3.
Variant type: single nucleotide variant.
Coding change: c.641-2A>G on transcript NM_000875.5 (MANE Select); the canonical splice acceptor site of the intron before coding-DNA position 641, A replaced by G.
Molecular consequence: splice acceptor variant.
Genome position (GRCh38, 1-based): chr15:98,891,323, A>G. VCF-style: chr15-98891323-A-G. GRCh37 (hg19) VCF-style: chr15-99434552-A-G.
Other names: c.641-2A>G (NM_001291858.2).
Identifiers: ClinVar variation 2443553 (VCV002443553.3), dbSNP rs2505969779, ClinGen allele CA393664570.

ClinVar aggregate classification (germline): Pathogenic. Review status: criteria provided, multiple submitters, no conflicts (2 of 4 stars). 2 submissions from 2 submitters: Pathogenic (2). Last evaluated 2026-08-18.

Submissions (2):

GeneDx
Classification: Pathogenic. Last evaluated: 2026-08-18. Review status: criteria provided, single submitter. Criteria: GeneDx Variant Classification Process June 2021. Collection method: clinical testing. Allele origin: germline.
Comment: Not observed at significant frequency in large population cohorts (gnomAD); Canonical splice site variant predicted to result in a null allele in a gene for which loss of function is a known mechanism of disease; This variant is associated with the following publications: (PMID: 33113547)

Labcorp Genetics (formerly Invitae), Labcorp
Classification: Pathogenic. Last evaluated: 2025-05-21. Review status: criteria provided, single submitter. Criteria: Invitae Variant Classification Sherloc (09022015). Collection method: clinical testing. Allele origin: germline.
Comment: This sequence change affects an acceptor splice site in intron 2 of the IGF1R gene. It is expected to disrupt RNA splicing. Variants that disrupt the donor or acceptor splice site typically lead to a loss of protein function (PMID: 16199547), and loss-of-function variants in IGF1R are known to be pathogenic (PMID: 14657428). This variant is not present in population databases (gnomAD no frequency). Disruption of this splice site has been observed in individual(s) with short stature and hypoglycemia (PMID: 33113547). ClinVar contains an entry for this variant (Variation ID: 2443553). Studies have shown that disruption of this splice site alters IGF1R gene expression (PMID: 33113547). Algorithms developed to predict the effect of sequence changes on RNA splicing suggest that this variant may disrupt the consensus splice site. For these reasons, this variant has been classified as Pathogenic.

Literature cited by the submitters: PubMed 16199547 (cited by Labcorp Genetics (formerly Invitae), Labcorp); PubMed 14657428 (cited by Labcorp Genetics (formerly Invitae), Labcorp); PubMed 33113547 (cited by Labcorp Genetics (formerly Invitae), Labcorp).